The following is an entry in ClinVar:

NM_001035.3(RYR2):c.3721G>A (p.Val1241Ile)

Gene: RYR2 (ryanodine receptor 2; plus strand). Cytogenetic location: 1q43.
Variant type: single nucleotide variant.
Coding change: c.3721G>A on transcript NM_001035.3 (MANE Select); coding-DNA position 3721, G replaced by A.
Protein change: p.Val1241Ile; replaces valine 1241 with isoleucine.
Molecular consequence: missense variant.
Genome position (GRCh38, 1-based): chr1:237,589,915, G>A. VCF-style: chr1-237589915-G-A. GRCh37 (hg19) VCF-style: chr1-237753215-G-A.
Other names: short protein forms V1241I.
Identifiers: ClinVar variation 43775 (VCV000043775.34), dbSNP rs185715460, ClinGen allele CA009332.

ClinVar aggregate classification (germline): Conflicting classifications of pathogenicity. Review status: criteria provided, conflicting classifications (1 of 4 stars). 11 submissions from 11 submitters: Uncertain significance (7); Likely benign (4). Last evaluated 2025-12-06.

Conditions:
Cardiovascular phenotype. Identifiers: MedGen CN230736.
Cardiomyopathy (CMYO). Also called: Cardiomyopathies. Identifiers: Orphanet 167848, MedGen C0878544, MONDO:0004994, HP:0001638. Inheritance: Various modes of inheritance.
Catecholaminergic polymorphic ventricular tachycardia 1. Also called: VENTRICULAR TACHYCARDIA, CATECHOLAMINERGIC POLYMORPHIC, 1, WITH OR WITHOUT ATRIAL DYSFUNCTION AND/OR DILATED CARDIOMYOPATHY; VENTRICULAR TACHYCARDIA, STRESS-INDUCED POLYMORPHIC 1; RYR2-Related Catecholaminergic Polymorphic Ventricular Tachycardia. Identifiers: Orphanet 3286, MedGen C1631597, MONDO:0011484, OMIM 604772.
Catecholaminergic polymorphic ventricular tachycardia (CVPT). Also called: Catecholamine-induced polymorphic ventricular tachycardia. Identifiers: Orphanet 3286, MedGen C5574922, MONDO:0017990.

Allele frequency attached by ClinVar (database versions not stated): gnomAD 0.00008 and 0.00009; TOPMed 0.00011; gnomAD exomes 0.00017; ExAC 0.00025; ESP Exome Variant Server 0.00025; 1000 Genomes Project 0.00040; 1000 Genomes Project 30x 0.00047.
gnomAD v4.1: 220 of 1,613,862 alleles (0.014%); highest among the groups gnomAD compares: East Asian, 0.038%; no homozygotes.

Submissions (11):

Mayo Clinic Laboratories, Mayo Clinic
Classification: Uncertain significance. Last evaluated: 2025-12-06. Review status: criteria provided, single submitter. Criteria: ACMG Guidelines, 2015. Collection method: clinical testing. Allele origin: germline. Observed: 1 variant allele.
Comment: PP2, PM2_supporting, PS4_supporting

Women's Health and Genetics/Laboratory Corporation of America, LabCorp
Classification: Likely benign. Last evaluated: 2024-11-01. Review status: criteria provided, single submitter. Criteria: LabCorp Variant Classification Summary - May 2015. Collection method: clinical testing. Allele origin: germline.
Comment: Variant summary: RYR2 c.3721G>A (p.Val1241Ile) results in a conservative amino acid change located in the Inositol 1,4,5-trisphosphate/ryanodine receptor domain (IPR014821) of the encoded protein sequence. Three of five in-silico tools predict a benign effect of the variant on protein function. The variant allele was found at a frequency of 0.00017 in 249044 control chromosomes, predominantly at a frequency of 0.00027 within the Non-Finnish European subpopulation in the gnomAD database. The observed variant frequency within Non-Finnish European control individuals in the gnomAD database is approximately 4.5 fold of the estimated maximal expected allele frequency for a pathogenic variant in RYR2 causing Arrhythmia phenotype (6e-05). c.3721G>A has been reported in the literature in individuals affected with catecholaminergic polymorphic ventricular tachycardia (Landstrom_2017_Sagray_2022, Hata_2022, Olubando_2020). These report(s) do not provide unequivocal conclusions about association of the variant with Arrhythmia. To our knowledge, no experimental evidence demonstrating an impact on protein function has been reported. The following publications have been ascertained in the context of this evaluation (PMID: 36070930, 28404607, 32152366, 36310724). ClinVar contains an entry for this variant (Variation ID: 43775). Based on the evidence outlined above, the variant was classified as likely benign.

Labcorp Genetics (formerly Invitae), Labcorp
Classification: Uncertain significance for Catecholaminergic polymorphic ventricular tachycardia 1. Last evaluated: 2024-10-14. Review status: criteria provided, single submitter. Criteria: Invitae Variant Classification Sherloc (09022015). Collection method: clinical testing. Allele origin: germline.
Comment: This sequence change replaces valine, which is neutral and non-polar, with isoleucine, which is neutral and non-polar, at codon 1241 of the RYR2 protein (p.Val1241Ile). This variant is present in population databases (rs185715460, gnomAD 0.03%). This variant has not been reported in the literature in individuals affected with RYR2-related conditions. ClinVar contains an entry for this variant (Variation ID: 43775). Invitae Evidence Modeling of protein sequence and biophysical properties (such as structural, functional, and spatial information, amino acid conservation, physicochemical variation, residue mobility, and thermodynamic stability) indicates that this missense variant is not expected to disrupt RYR2 protein function with a negative predictive value of 95%. In summary, the available evidence is currently insufficient to determine the role of this variant in disease. Therefore, it has been classified as a Variant of Uncertain Significance.

Color Diagnostics, LLC DBA Color Health
Classification: Likely benign for Cardiomyopathy. Last evaluated: 2024-03-19. Review status: criteria provided, single submitter. Criteria: ACMG Guidelines, 2015. Collection method: clinical testing. Allele origin: germline.

Blueprint Genetics
Classification: Likely benign. Last evaluated: 2024-02-27. Review status: criteria provided, single submitter. Criteria: ACMG Guidelines, 2015. Collection method: clinical testing. Allele origin: germline.

All of Us Research Program, National Institutes of Health
Classification: Uncertain significance for Catecholaminergic polymorphic ventricular tachycardia. Last evaluated: 2024-02-05. Review status: criteria provided, single submitter. Criteria: ACMG Guidelines, 2015. Collection method: clinical testing. Allele origin: germline. Inheritance: Autosomal dominant inheritance. Observed: 18 variant alleles, 18 heterozygotes.
Comment: This missense variant replaces valine with isoleucine at codon 1241 of the RYR2 protein. Computational prediction suggests that this variant may not impact protein structure and function (internally defined REVEL score threshold <= 0.5, PMID: 27666373). To our knowledge, functional studies have not been reported for this variant. This variant has been reported in an individual affected with hypokalemic periodic paralysis and cardiac arrhythmia (PMID: 36310724), in an individual affected with idiopathic bradyarrhythmia (PMID: 36070930), and in a healthy control as well (PMID: 32508047). This variant occurs at an appreciable frequency in the general population and has been identified in 45/280440 chromosomes in the general population by the Genome Aggregation Database (gnomAD). The available evidence is insufficient to determine the role of this variant in disease conclusively. Therefore, this variant is classified as a Variant of Uncertain Significance.

This study involves interpretation of variants in research participants for the purpose of population health screening. Participant phenotype was not available at the time of variant classification. Additional details can be found in publication PMID: 35346344, PMCID: PMC8962531

Ambry Genetics
Classification: Uncertain significance for Cardiovascular phenotype. Last evaluated: 2022-07-15. Review status: criteria provided, single submitter. Criteria: Ambry Variant Classification Scheme 2023. Collection method: clinical testing. Allele origin: germline.

GeneDx
Classification: Uncertain significance. Last evaluated: 2022-04-08. Review status: criteria provided, single submitter. Criteria: GeneDx Variant Classification Process June 2021. Collection method: clinical testing. Allele origin: germline. Affected: yes.
Comment: Identified in the heterozygous state in a cohort of individuals undergoing clinical whole exome sequencing in published literature (Landstrom et al., 2017), although further details regarding the number of individuals found to harbor this variant, the indication for testing, and any follow-up cardiac evaluations were not described; Also reported in a patient with atrioventricular nodal reentry tachycardia (Luo et al., 2020); however, specific clinical information was not provided; In silico analysis supports that this missense variant does not alter protein structure/function; Not located in one of the three hot-spot regions of the RYR2 gene, where the majority of pathogenic missense variants occur (Medeiros-Domingo et al., 2009); This variant is associated with the following publications: (PMID: 28404607, 32508047)

Laboratory for Molecular Medicine, Mass General Brigham Personalized Medicine
Classification: Likely benign. Last evaluated: 2018-11-05. Review status: criteria provided, single submitter. Criteria: LMM Criteria. Collection method: clinical testing. Allele origin: germline. Observed: 2 variant alleles.
Comment: The p.Val1241Ile variant in RYR2 is classified as likely benign because it has b een identified in 0.03% (33/128294) of European chromosomes by gnomAD. Valine (Val) at position 1241 is highly conserved in m ammals and most evolutionarily distant species, though frog and yellowbelly puff erfish carry an isoleucine (Ile; this variant). Additional computational predict ion tools suggest that this variant may not impact the protein. ACMG/AMP Criteri a applied: BS1_Supporting, BP4.

CHEO Genetics Diagnostic Laboratory, Children's Hospital of Eastern Ontario
Classification: Uncertain significance for Cardiomyopathy. Last evaluated: 2016-03-09. Review status: criteria provided, single submitter. Criteria: ACMG Guidelines, 2015. Collection method: clinical testing. Allele origin: germline. Study: Canadian Open Genetics Repository.

Eurofins Ntd Llc (ga)
Classification: Uncertain significance. Last evaluated: 2015-03-13. Review status: criteria provided, single submitter. Criteria: EGL Classification Definitions 2015. Collection method: clinical testing. Allele origin: germline. Observed: 1 variant allele, 1 heterozygote.

Literature cited by the submitters: PubMed 28404607 (cited by Mayo Clinic Laboratories, Mayo Clinic and Women's Health and Genetics/Laboratory Corporation of America, LabCorp); PubMed 32152366 (cited by Mayo Clinic Laboratories, Mayo Clinic and Women's Health and Genetics/Laboratory Corporation of America, LabCorp); PubMed 32508047 (cited by Mayo Clinic Laboratories, Mayo Clinic and All of Us Research Program, National Institutes of Health); PubMed 36070930 (cited by 3 submitters); PubMed 36310724 (cited by 3 submitters).